The following is an entry in ClinVar:

NM_018961.4(UBASH3A):c.150G>A (p.Ala50=)

Gene: UBASH3A (ubiquitin associated and SH3 domain containing A; plus strand). Cytogenetic location: 21q22.3.
Variant type: single nucleotide variant.
Coding change: c.150G>A on transcript NM_018961.4 (MANE Select); coding-DNA position 150, G replaced by A.
Protein change: p.Ala50=; no amino-acid change (alanine 50 retained).
Molecular consequence: synonymous variant.
Genome position (GRCh38, 1-based): chr21:42,406,344, G>A. VCF-style: chr21-42406344-G-A. GRCh37 (hg19) VCF-style: chr21-43826453-G-A.
Other names: c.150G>A, p.Ala50= (NM_001001895.3, NM_001243467.2).
Identifiers: ClinVar variation 2652706 (VCV002652706.24), dbSNP rs140628973, ClinGen allele CA10042980.

ClinVar aggregate classification (germline): Likely benign (1 of 4 stars; one submission).

Allele frequency attached by ClinVar (database versions not stated): gnomAD exomes 0.00004; ExAC 0.00005; gnomAD 0.00005; TOPMed 0.00005; ESP Exome Variant Server 0.00008; 1000 Genomes Project 30x 0.00016; 1000 Genomes Project 0.00020.
gnomAD v4.1: 75 of 1,614,034 alleles (0.0046%); highest among the groups gnomAD compares: East Asian, 0.018%; no homozygotes.

Submission:

CeGaT Center for Human Genetics Tuebingen
Classification: Likely benign. Last evaluated: 2022-07-01. Review status: criteria provided, single submitter. Criteria: CeGaT Center For Human Genetics Tuebingen Variant Classification Criteria Version 2. Collection method: clinical testing. Allele origin: germline. Affected: yes. Observed: 1 variant allele.
Comment: UBASH3A: BP4, BP7